The following is an entry in ClinVar:

ClinVar aggregate classification (germline): Likely benign. Review status: criteria provided, multiple submitters, no conflicts (2 of 4 stars). 4 submissions from 4 submitters: Likely benign (4). Last evaluated 2024-02-05.

Conditions:
Familial thoracic aortic aneurysm and aortic dissection (TAAD). Also called: Thoracic aortic aneurysms and dissections. Identifiers: Orphanet 91387, MedGen C4707243, MONDO:0019625.
Marfan syndrome (MFS). Also called: Marfan syndrome, classic; Marfan syndrome type 1; Marfan's syndrome; FBN1-Related Marfan Syndrome; MARFAN SYNDROME, TYPE I. Identifiers: Orphanet 284963, Orphanet 558, MedGen C0024796, MONDO:0007947, OMIM 154700.

Allele frequency attached by ClinVar (database versions not stated): TOPMed 0.00001; gnomAD exomes 0.00002; ExAC 0.00002; gnomAD 0.00001.
gnomAD v4.1: 15 of 1,613,544 alleles (0.00093%); highest among the groups gnomAD compares: Non-Finnish European, 0.0013%; no homozygotes.

Submissions (4):

All of Us Research Program, National Institutes of Health
Classification: Likely benign for Marfan syndrome. Last evaluated: 2024-02-05. Review status: criteria provided, single submitter. Criteria: ACMG Guidelines, 2015. Collection method: clinical testing. Allele origin: germline. Inheritance: Autosomal dominant inheritance. Observed: 5 variant alleles, 5 heterozygotes.
Comment: This study involves interpretation of variants in research participants for the purpose of population health screening. Participant phenotype was not available at the time of variant classification. Additional details can be found in publication PMID: 35346344, PMCID: PMC8962531

Labcorp Genetics (formerly Invitae), Labcorp
Classification: Likely benign for Marfan syndrome; Familial thoracic aortic aneurysm and aortic dissection. Last evaluated: 2023-05-07. Review status: criteria provided, single submitter. Criteria: Invitae Variant Classification Sherloc (09022015). Collection method: clinical testing. Allele origin: germline.

Ambry Genetics
Classification: Likely benign for Familial thoracic aortic aneurysm and aortic dissection. Last evaluated: 2020-02-19. Review status: criteria provided, single submitter. Criteria: Ambry Variant Classification Scheme 2023. Collection method: clinical testing. Allele origin: germline.

Color Diagnostics, LLC DBA Color Health
Classification: Likely benign for Familial thoracic aortic aneurysm and aortic dissection. Last evaluated: 2019-06-13. Review status: criteria provided, single submitter. Criteria: ACMG Guidelines, 2015. Collection method: clinical testing. Allele origin: germline.

NM_000138.5(FBN1):c.5991A>G (p.Arg1997=)

Gene: FBN1 (fibrillin 1; minus strand). Cytogenetic location: 15q21.1.
Variant type: single nucleotide variant.
Coding change: c.5991A>G on transcript NM_000138.5 (MANE Select); coding-DNA position 5991, A replaced by G.
Protein change: p.Arg1997=; no amino-acid change (arginine 1997 retained).
Molecular consequence: synonymous variant.
Genome position (GRCh38, 1-based): chr15:48,444,587, T>C on the plus strand (A>G on the coding strand, the complement: FBN1 is on the minus strand). VCF-style: chr15-48444587-T-C. GRCh37 (hg19) VCF-style: chr15-48736784-T-C.
Identifiers: ClinVar variation 919529 (VCV000919529.8), dbSNP rs201346996, ClinGen allele CA055927.